The following is an entry in ClinVar:

NM_033026.6(PCLO):c.14827G>C (p.Val4943Leu)

Genes: PCLO (piccolo presynaptic cytomatrix protein; minus strand), LOC126860089 (MED14-independent group 3 enhancer GRCh37_chr7:82434470-82435669; plus strand). Cytogenetic location: 7q21.11.
Variant type: single nucleotide variant.
Coding change: c.14827G>C on transcript NM_033026.6 (MANE Select); coding-DNA position 14827, G replaced by C.
Protein change: p.Val4943Leu; replaces valine 4943 with leucine.
Molecular consequence: missense variant.
Genome position (GRCh38, 1-based): chr7:82,805,794, C>G on the plus strand (G>C on the coding strand, the complement: PCLO is on the minus strand). VCF-style: chr7-82805794-C-G. GRCh37 (hg19) VCF-style: chr7-82435110-C-G.
Other names: short protein forms V4943L.
Identifiers: ClinVar variation 2050460 (VCV002050460.4), dbSNP rs558167699, ClinGen allele CA4318705.

ClinVar aggregate classification (germline): Uncertain significance (1 of 4 stars; one submission).

Allele frequency attached by ClinVar (database versions not stated): ExAC 0.00001; gnomAD exomes 0.00001; gnomAD 0.00002; 1000 Genomes Project 0.00020; 1000 Genomes Project 30x 0.00031.
gnomAD v4.1: 11 of 1,607,884 alleles (0.00068%); highest among the groups gnomAD compares: South Asian, 0.011%; no homozygotes.

Submission:

Labcorp Genetics (formerly Invitae), Labcorp
Classification: Uncertain significance. Last evaluated: 2023-07-07. Review status: criteria provided, single submitter. Criteria: Invitae Variant Classification Sherloc (09022015). Collection method: clinical testing. Allele origin: germline.
Comment: This variant has not been reported in the literature in individuals affected with PCLO-related conditions. This variant is present in population databases (rs558167699, gnomAD 0.007%). This sequence change replaces valine, which is neutral and non-polar, with leucine, which is neutral and non-polar, at codon 4943 of the PCLO protein (p.Val4943Leu). ClinVar contains an entry for this variant (Variation ID: 2050460). In summary, the available evidence is currently insufficient to determine the role of this variant in disease. Therefore, it has been classified as a Variant of Uncertain Significance. Experimental studies and prediction algorithms are not available or were not evaluated, and the functional significance of this variant is currently unknown.